The following is an entry in ClinVar:

ClinVar aggregate classification (germline): Pathogenic (1 of 4 stars; one submission).

Conditions:
Charcot-Marie-Tooth disease type 2. Also called: Charcot-Marie-Tooth type 2. Identifiers: Orphanet 64746, MedGen C0270914, MONDO:0018993.

Submission:

Labcorp Genetics (formerly Invitae), Labcorp
Classification: Pathogenic for Charcot-Marie-Tooth disease type 2. Last evaluated: 2022-12-29. Review status: criteria provided, single submitter. Criteria: Invitae Variant Classification Sherloc (09022015). Collection method: clinical testing. Allele origin: germline.
Comment: For these reasons, this variant has been classified as Pathogenic. Algorithms developed to predict the effect of sequence changes on RNA splicing suggest that this variant may disrupt the consensus splice site. ClinVar contains an entry for this variant (Variation ID: 1453509). This variant has been observed in individuals with clinical features of autosomal dominant Charcot-Marie-Tooth disease (PMID: 33415332; Invitae). It has also been observed to segregate with disease in related individuals. This variant is not present in population databases (gnomAD no frequency). This variant results in the deletion of part of exon 6 (c.475-7_478del) of the MFN2 gene. It is expected to disrupt RNA splicing. Variants that disrupt the donor or acceptor splice site typically lead to a loss of protein function (PMID: 16199547), and loss-of-function variants in MFN2 are known to be pathogenic (PMID: 16714318, 21715711, 26955893).

Literature cited by the submitters: PubMed 33415332; PubMed 16199547; PubMed 16714318; PubMed 21715711; PubMed 26955893.

NM_014874.4(MFN2):c.475-7_478del

Gene: MFN2 (mitofusin 2; plus strand). Cytogenetic location: 1p36.22.
Variant type: Deletion.
Coding change: c.475-7_478del on transcript NM_014874.4 (MANE Select); 7 bases into the intron before coding-DNA position 475 through coding-DNA position 478, 11 bases deleted (CCATCAGACTG).
Molecular consequence: splice acceptor variant.
Genome position (GRCh38, 1-based): chr1:11,997,290-11,997,300, CCATCAGACTG deleted; deleting any 11 consecutive bases within chr1:11,997,287-11,997,300 gives the same sequence; the c. name uses the placement nearest the transcript's 3' end. VCF-style (leftmost placement, unchanged base first): chr1-11997286-TCTGCCATCAGA-T. GRCh37 (hg19) VCF-style: chr1-12057343-TCTGCCATCAGA-T.
Other names: c.475-7_478del (NM_001127660.2).
Identifiers: ClinVar variation 1453509 (VCV001453509.6), dbSNP rs2100825988, ClinGen allele CA2573130674.